The following is an entry in ClinVar:

NM_000435.3(NOTCH3):c.1063T>A (p.Cys355Ser)

Gene: NOTCH3 (notch receptor 3; minus strand). Cytogenetic location: 19p13.12.
Variant type: single nucleotide variant.
Coding change: c.1063T>A on transcript NM_000435.3 (MANE Select); coding-DNA position 1063, T replaced by A.
Protein change: p.Cys355Ser; replaces cysteine 355 with serine.
Molecular consequence: missense variant.
Genome position (GRCh38, 1-based): chr19:15,189,402, A>T on the plus strand (T>A on the coding strand, the complement: NOTCH3 is on the minus strand). VCF-style: chr19-15189402-A-T. GRCh37 (hg19) VCF-style: chr19-15300213-A-T.
Other names: short protein forms C355S.
Identifiers: ClinVar variation 3636208 (VCV003636208.2).

ClinVar aggregate classification (germline): Uncertain significance (1 of 4 stars; one submission).

Submission:

Labcorp Genetics (formerly Invitae), Labcorp
Classification: Uncertain significance. Last evaluated: 2025-02-12. Review status: criteria provided, single submitter. Criteria: Invitae Variant Classification Sherloc (09022015). Collection method: clinical testing. Allele origin: germline.
Comment: This sequence change replaces cysteine, which is neutral and slightly polar, with serine, which is neutral and polar, at codon 355 of the NOTCH3 protein (p.Cys355Ser). This variant is not present in population databases (gnomAD no frequency). This missense change has been observed in individual(s) with clinical features of NOTCH3-related conditions (internal data). Invitae Evidence Modeling of protein sequence and biophysical properties (such as structural, functional, and spatial information, amino acid conservation, physicochemical variation, residue mobility, and thermodynamic stability) indicates that this missense variant is expected to disrupt NOTCH3 protein function with a positive predictive value of 95%. In summary, the available evidence is currently insufficient to determine the role of this variant in disease. Therefore, it has been classified as a Variant of Uncertain Significance.